The following is an entry in ClinVar:

ClinVar aggregate classification (germline): Uncertain significance. Review status: criteria provided, multiple submitters, no conflicts (2 of 4 stars). 2 submissions from 2 submitters: Uncertain significance (2). Last evaluated 2026-07-31.

Submissions (2):

Ambry Genetics
Classification: Uncertain significance. Last evaluated: 2026-07-31. Review status: criteria provided, single submitter. Criteria: Ambry Variant Classification Scheme 2023. Collection method: clinical testing. Allele origin: germline.
Comment: The c.2366dupA variant, located in coding exon 15 of the RINT1 gene, results from a duplication of A at nucleotide position 2366, causing a translational frameshift with a predicted alternate stop codon (p.N789Kfs*30). This variant occurs at the 3' terminus of the gene and is not expected to trigger nonsense-mediated mRNA decay. The evidence for this gene-disease relationship is limited; therefore, the clinical significance of this variant is unclear.

Labcorp Genetics (formerly Invitae), Labcorp
Classification: Uncertain significance. Last evaluated: 2023-10-13. Review status: criteria provided, single submitter. Criteria: Invitae Variant Classification Sherloc (09022015). Collection method: clinical testing. Allele origin: germline.
Comment: This sequence change results in a frameshift in the RINT1 gene (p.Asn789Lysfs*30). While this is not anticipated to result in nonsense mediated decay, it is expected to disrupt the last 4 amino acid(s) of the RINT1 protein and extend the protein by 25 additional amino acid residues. This variant is not present in population databases (gnomAD no frequency). This variant has not been reported in the literature in individuals affected with RINT1-related conditions. ClinVar contains an entry for this variant (Variation ID: 1790218). In summary, the available evidence is currently insufficient to determine the role of this variant in disease. Therefore, it has been classified as a Variant of Uncertain Significance.

NM_021930.6(RINT1):c.2366dup (p.Asn789fs)

Genes: EFCAB10 (EF-hand calcium binding domain 10; minus strand), RINT1 (RAD50 interactor 1; plus strand). Cytogenetic location: 7q22.3.
Variant type: Duplication.
Coding change: c.2366dup on transcript NM_021930.6 (MANE Select); coding-DNA position 2366, one base duplicated (A; older notation c.2366dupA).
Protein change: p.Asn789fs; shifts the reading frame from asparagine 789.
Molecular consequence: frameshift variant. On other transcripts: 3 prime UTR variant (2), non-coding transcript variant (1), intron variant (3).
Genome position (GRCh38, 1-based): chr7:105,567,298, A duplicated; the last of 2 consecutive A bases (chr7:105,567,297-105,567,298); duplicating either gives the same sequence. VCF-style (leftmost placement, unchanged base first): chr7-105567296-T-TA. GRCh37 (hg19) VCF-style: chr7-105207743-T-TA.
Other names: c.*157dup (NM_001355527.2, NM_001355529.2); c.2132dup, p.Asn711fs (NM_001346599.2); c.1343dup, p.Asn448fs (NM_001346600.2, NM_001346603.2); c.1442dup, p.Asn481fs (NM_001346601.2); c.360-1850dup (NM_001355531.2); c.383+170dup (NM_001355526.2, NM_001355530.2); short protein forms N448fs, N711fs, N789fs, N481fs.
Identifiers: ClinVar variation 1790218 (VCV001790218.8), dbSNP rs2485204525, ClinGen allele CA2580076159.